The following is an entry in ClinVar:

ClinVar aggregate classification (germline): Pathogenic. Review status: criteria provided, multiple submitters, no conflicts (2 of 4 stars). 24 submissions from 24 submitters: Pathogenic (23). 1 of the submissions does not count toward it. Last evaluated 2025-12-29.

Conditions:
PTPN11-related disorder. Also called: PTPN11-Related Disorders.
Neurodevelopmental disorder. Identifiers: MedGen C1535926, MeSH D065886, MONDO:0700092.
Cardiovascular phenotype. Identifiers: MedGen CN230736.
Monogenic short statue.
Juvenile myelomonocytic leukemia (JMML). Also called: LEUKEMIA, JUVENILE MYELOMONOCYTIC, SOMATIC. Identifiers: Orphanet 86834, MedGen C0349639, MONDO:0011908, OMIM 607785, HP:0012209.
Metachondromatosis (METCDS). Identifiers: Orphanet 2499, MedGen C0410530, MONDO:0007979, OMIM 156250.
Noonan syndrome 1 (NS1). Also called: FEMALE PSEUDO-TURNER SYNDROME; TURNER PHENOTYPE WITH NORMAL KARYOTYPE; PTPN11-Related Noonan Syndrome. Identifiers: Orphanet 648, MedGen C4551602, MONDO:0008104, OMIM 163950. Disease mechanism: gain of function.
LEOPARD syndrome 1 (LPRD1). Also called: LENTIGINOSIS, CARDIOMYOPATHIC; MULTIPLE LENTIGINES SYNDROME; PTPN11-Related LEOPARD Syndrome. Identifiers: Orphanet 500, MedGen C4551484, MONDO:0100082, OMIM 151100.
Noonan syndrome (NS). Also called: Noonan's syndrome. Identifiers: Orphanet 648, MedGen C0028326, MeSH D009634, MONDO:0018997. Disease mechanism: gain of function.
RASopathy. Also called: rasopathies; Noonan spectrum disorder. Identifiers: Orphanet 536391, MedGen C5555857, MONDO:0021060.

Allele frequency attached by ClinVar (database versions not stated): gnomAD exomes below 0.00001.
gnomAD v4.1: 2 of 1,614,198 alleles (0.00012%); highest among the groups gnomAD compares: Non-Finnish European, 0.000085%; no homozygotes.

Submissions 1 to 10 of 24:

Victorian Clinical Genetics Services, Murdoch Childrens Research Institute
Classification: Pathogenic for Noonan syndrome 1. Last evaluated: 2025-12-29. Review status: criteria provided, single submitter. Criteria: ACMG Guidelines, 2015. Collection method: clinical testing. Allele origin: germline. Affected: yes.
Comment: This variant is classified as Pathogenic. Evidence in support of pathogenic classification: Variant is present in gnomAD <0.001 for a dominant condition (v4: 2 heterozygote(s), 0 homozygote(s)); This variant has strong previous evidence of pathogenicity in unrelated individuals. This variant has been classified as pathogenic by multiple clinical laboratories in ClinVar. Additionally, alternate nucleotide changes, c.1507G>A and c.1506_1507delinsCC, which result in the same protein change, have been classified as pathogenic by multiple clinical laboratories in ClinVar; Variant is located in a hotspot region or cluster of PATHOGENIC variants (DECIPHER); Missense variant predicted to be damaging by in silico tool(s) or highly conserved with a major amino acid change; Additional information: Variant is predicted to result in a missense amino acid change from Gly to Arg; This variant is heterozygous; This gene is associated with autosomal dominant disease; Alternative amino acid change(s) at the same position are present in gnomAD (highest allele count: v4: 2 heterozygote(s), 0 homozygote(s)); Both loss of function and gain of function are known mechanisms of disease for this gene. Metachondromatosis (MIM#156250) and Noonan syndrome with multiple lentigines (MIM#151100) have been associated with loss of function variants, whereas Noonan syndrome 1 (MIM#163950) is caused by gain of function variants (PMIDs: 11992261, 24935154, 21533187; ClinGen expert panel).

3billion
Classification: Pathogenic for Noonan syndrome 1. Last evaluated: 2025-11-09. Review status: criteria provided, single submitter. Criteria: ACMG Guidelines, 2015. Collection method: clinical testing. Allele origin: germline. Affected: yes.
Comment: The variant is observed at an extremely low frequency in the gnomAD v4.1.0 dataset (total allele frequency: <0.001%). Predicted Consequence/Location: Missense variant. Missense changes are a common disease-causing mechanism. In silico tool predictions suggest damaging effect of the variant on gene or gene product [REVEL: 0.99 (>=0.6, sensitivity 0.68 and specificity 0.92); 3Cnet: 0.94 (> 0.75, sensitivity 0.96 and precision 0.92)]. The same nucleotide change resulting in the same amino acid change has been previously reported as pathogenic/likely pathogenic with strong evidence (ClinVar ID: VCV000040558 /PMID: 12960218 /3billion dataset). Different missense changes at the same codon (p.Gly503Ala, p.Gly503Glu, p.Gly503Trp, p.Gly503Val) have been reported as pathogenic/likely pathogenic with strong evidence (ClinVar ID: VCV000040561, VCV000162464, VCV003894635 /PMID: 18678287, 21407260, 23756559 /3billion dataset). Therefore, this variant is classified as Pathogenic according to the recommendation of ACMG/AMP guideline.

NHS Central & South Genomic Laboratory Hub
Classification: Pathogenic for Monogenic short statue. Last evaluated: 2025-10-21. Review status: criteria provided, single submitter. Criteria: ACMG Guidelines, 2015. Collection method: clinical testing. Allele origin: germline. Affected: yes.

Institute for Genomic Medicine (IGM) Clinical Laboratory, Nationwide Children's Hospital
Classification: Pathogenic for Noonan syndrome 1. Last evaluated: 2025-08-21. Review status: criteria provided, single submitter. Criteria: ACMG Guidelines, 2015. Collection method: clinical testing. Allele origin: germline.
Comment: A different nucleotide change resulting in the same amino acid substitution has been reported as pathogenic (ACMG/AMP: PS1). This variant has been reported at an elevated frequency in affected individuals/in multiple affected individuals in the literature (ACMG/AMP: PS4; PMIDs:12717436, 16358218, 18758896, 19077116, 19737548, 25097206, 26918529, 29907801, 31560489, 34008892). This variant is absent from or present at an exceedingly low frequency in gnomAD, a large-scale control population database (ACMG/AMP: PM2). A different substitution at this amino acid position has been reported as pathogenic (ACMG/AMP: PM5). This variant occurs in a gene with a low rate of benign missense variation, in which missense alterations are a common mechanism of disease (ACMG/AMP: PP2). This variant is predicted to alter protein function or structure, or disrupt splicing by multiple in silico tools (ACMG/AMP: PP3).

CeGaT Center for Human Genetics Tuebingen
Classification: Pathogenic. Last evaluated: 2025-07-01. Review status: criteria provided, single submitter. Criteria: CeGaT Center For Human Genetics Tuebingen Variant Classification Criteria Version 2. Collection method: clinical testing. Allele origin: germline. Affected: yes. Observed: 4 variant alleles.
Comment: PTPN11: PS1, PS2, PM1, PM2, PM5, PP2, PP3, PS4:Supporting

Center for Genomic Medicine, Rigshospitalet, Copenhagen University Hospital
Classification: Pathogenic. Last evaluated: 2025-03-04. Review status: criteria provided, single submitter. Criteria: ACMG Guidelines, 2015. Collection method: clinical testing. Allele origin: germline.

Ambry Genetics
Classification: Pathogenic for Cardiovascular phenotype. Last evaluated: 2025-02-05. Review status: criteria provided, single submitter. Criteria: Ambry Variant Classification Scheme 2023. Collection method: clinical testing. Allele origin: germline.
Comment: The p.G503R pathogenic mutation (also known as c.1507G>C), located in coding exon 13 of the PTPN11 gene, results from a G to C substitution at nucleotide position 1507. The glycine at codon 503 is replaced by arginine, an amino acid with dissimilar properties, and is located in the PTP domain of the PTPN11 protein. This mutation has been reported in multiple individuals with Noonan syndrome, including at least two affected parent-child pairs (Sarkozy A et al. J Med Genet, 2003 Sep;40:704-8; Lo FS et al. Int J Hematol, 2008 Oct;88:287-290; Bessis D et al. Br J Dermatol, 2019 06;180:1438-1448). The same amino acid substitution caused by a different nucleotide change (c.1507G>A) has also been reported in individuals with Noonan syndrome (Tartaglia M et al. Am J Hum Genet, 2006 Feb;78:279-90; Athota JP et al. BMC Med Genet, 2020 03;21:50). There have been reports of a few individuals with p.G503R and Noonan syndrome diagnosed with juvenile myelomonocytic leukemia (JMML) (Strullu M et al. J Med Genet, 2014 Oct;51:689-97; Kratz CP et al. Br J Cancer, 2015 Apr;112:1392-7). Based on internal structural analysis, this variant is more destabilizing than other nearby pathogenic variants (Hof P et al. Cell, 1998 Feb;92:441-50). In addition, this alteration is predicted to be deleterious by in silico analysis. Based on the supporting evidence, this alteration is interpreted as a disease-causing mutation for PTPN11-related RASopathy; however, its clinical significance for metachondromatosis is uncertain.

Labcorp Genetics (formerly Invitae), Labcorp
Classification: Pathogenic for RASopathy. Last evaluated: 2024-08-28. Review status: criteria provided, single submitter. Criteria: Invitae Variant Classification Sherloc (09022015). Collection method: clinical testing. Allele origin: germline.
Comment: This sequence change replaces glycine, which is neutral and non-polar, with arginine, which is basic and polar, at codon 503 of the PTPN11 protein (p.Gly503Arg). This variant is present in population databases (rs397507545, gnomAD 0.004%). This missense change has been observed in individuals with Noonan syndrome or Leopard syndrome (PMID: 12717436, 12960218, 16358218, 18758896, 19077116, 19737548, 24754368). It has also been observed to segregate with disease in related individuals. ClinVar contains an entry for this variant (Variation ID: 40558). Invitae Evidence Modeling of protein sequence and biophysical properties (such as structural, functional, and spatial information, amino acid conservation, physicochemical variation, residue mobility, and thermodynamic stability) indicates that this missense variant is expected to disrupt PTPN11 protein function with a positive predictive value of 95%. For these reasons, this variant has been classified as Pathogenic.

Blueprint Genetics
Classification: Pathogenic for PTPN11-related disorders. Last evaluated: 2024-06-04. Review status: criteria provided, single submitter. Criteria: ACMG Guidelines, 2015. Collection method: clinical testing. Allele origin: germline. Affected: yes. Observed: 5 variant alleles.

Genomic Medicine Center of Excellence, King Faisal Specialist Hospital and Research Centre
Classification: Pathogenic for Noonan syndrome 1. Last evaluated: 2024-03-26. Review status: criteria provided, single submitter. Criteria: ACMG Guidelines, 2015. Collection method: clinical testing. Allele origin: germline.

NM_002834.5(PTPN11):c.1507G>C (p.Gly503Arg)

Gene: PTPN11 (protein tyrosine phosphatase non-receptor type 11; plus strand). Cytogenetic location: 12q24.13.
Variant type: single nucleotide variant.
Coding change: c.1507G>C on transcript NM_002834.5 (MANE Select); coding-DNA position 1507, G replaced by C.
Protein change: p.Gly503Arg; replaces glycine 503 with arginine.
Molecular consequence: missense variant.
Genome position (GRCh38, 1-based): chr12:112,489,083, G>C. VCF-style: chr12-112489083-G-C. GRCh37 (hg19) VCF-style: chr12-112926887-G-C.
Other names: p.G503R:GGG>CGG; c.1519G>C, p.Gly507Arg (NM_001330437.2); c.1504G>C, p.Gly502Arg (NM_001374625.1); short protein forms G503R, G507R, G502R.
Identifiers: ClinVar variation 40558 (VCV000040558.87), dbSNP rs397507545, ClinGen allele CA273459.